The following is an entry in ClinVar:

ClinVar aggregate classification (germline): Likely benign. Review status: criteria provided, multiple submitters, no conflicts (2 of 4 stars). 2 submissions from 2 submitters: Likely benign (2). Last evaluated 2024-10-24.

Conditions:
Birt-Hogg-Dube syndrome 1 (BHD1). Also called: FIBROFOLLICULOMAS WITH TRICHODISCOMAS AND ACROCHORDONS. Identifiers: Orphanet 122, MedGen CN375946, MONDO:0800445, OMIM 135150.
Birt-Hogg-Dube syndrome. Also called: Birt Hogg Dubé syndrome. Identifiers: Orphanet 122, MedGen C0346010, MONDO:0800444.

Submissions (2):

Myriad Genetics, Inc.
Classification: Likely benign for Birt-Hogg-Dube syndrome 1. Last evaluated: 2024-10-24. Review status: criteria provided, single submitter. Criteria: Myriad Autosomal Dominant, Autosomal Recessive and X-Linked Classification Criteria (2023). Collection method: clinical testing. Allele origin: unknown.
Comment: This variant is considered likely benign. This variant is intronic and is not expected to impact mRNA splicing.

Labcorp Genetics (formerly Invitae), Labcorp
Classification: Likely benign for Birt-Hogg-Dube syndrome. Last evaluated: 2021-02-18. Review status: criteria provided, single submitter. Criteria: Invitae Variant Classification Sherloc (09022015). Collection method: clinical testing. Allele origin: germline.

NM_144997.7(FLCN):c.1301-17del

Gene: FLCN (folliculin; minus strand). Cytogenetic location: 17p11.2.
Variant type: Deletion.
Coding change: c.1301-17del on transcript NM_144997.7 (MANE Select); 17 bases into the intron before coding-DNA position 1301, one base deleted (G; older notation c.1301-17delG).
Molecular consequence: intron variant.
Genome position (GRCh38, 1-based): chr17:17,215,333, C deleted on the plus strand (G on the coding strand, the reverse complement: FLCN is on the minus strand); the first of 3 consecutive C bases (chr17:17,215,333-17,215,335); deleting any one gives the same sequence. VCF-style (leftmost placement, unchanged base first): chr17-17215332-GC-G. GRCh37 (hg19) VCF-style: chr17-17118646-GC-G.
Other names: c.1301-17del (NM_001353231.2, NM_001353230.2); c.1355-17del (NM_001353229.2).
Identifiers: ClinVar variation 1533965 (VCV001533965.9), dbSNP rs2144841050, ClinGen allele CA2573153093.